The following is an entry in ClinVar:

ClinVar aggregate classification (germline): Uncertain significance. Review status: criteria provided, multiple submitters, no conflicts (2 of 4 stars). 2 submissions from 2 submitters: Uncertain significance (2). Last evaluated 2024-10-23.

Allele frequency attached by ClinVar (database versions not stated): ExAC 0.00002; gnomAD 0.00011; 1000 Genomes Project 30x 0.00016; 1000 Genomes Project 0.00020; TOPMed 0.00029.
gnomAD v4.1: 30 of 1,589,370 alleles (0.0019%); highest among the groups gnomAD compares: Admixed American, 0.045%; no homozygotes.

Submissions (2):

Labcorp Genetics (formerly Invitae), Labcorp
Classification: Uncertain significance. Last evaluated: 2024-10-23. Review status: criteria provided, single submitter. Criteria: Invitae Variant Classification Sherloc (09022015). Collection method: clinical testing. Allele origin: germline.
Comment: This sequence change replaces phenylalanine, which is neutral and non-polar, with leucine, which is neutral and non-polar, at codon 471 of the CASZ1 protein (p.Phe471Leu). This variant is present in population databases (rs201124226, gnomAD 0.01%). This variant has not been reported in the literature in individuals affected with CASZ1-related conditions. An algorithm developed to predict the effect of missense changes on protein structure and function (PolyPhen-2) suggests that this variant is likely to be disruptive. In summary, the available evidence is currently insufficient to determine the role of this variant in disease. Therefore, it has been classified as a Variant of Uncertain Significance.

Ambry Genetics
Classification: Uncertain significance. Last evaluated: 2021-08-30. Review status: criteria provided, single submitter. Criteria: Ambry Variant Classification Scheme 2023. Collection method: clinical testing. Allele origin: germline.

NM_001079843.3(CASZ1):c.1413C>G (p.Phe471Leu)

Gene: CASZ1 (castor zinc finger 1; minus strand). Cytogenetic location: 1p36.22.
Variant type: single nucleotide variant.
Coding change: c.1413C>G on transcript NM_001079843.3 (MANE Select); coding-DNA position 1413, C replaced by G.
Protein change: p.Phe471Leu; replaces phenylalanine 471 with leucine.
Molecular consequence: missense variant.
Genome position (GRCh38, 1-based): chr1:10,656,733, G>C on the plus strand (C>G on the coding strand, the complement: CASZ1 is on the minus strand). VCF-style: chr1-10656733-G-C. GRCh37 (hg19) VCF-style: chr1-10716790-G-C.
Other names: c.1413C>G (NM_001079843.1); c.1413C>G, p.Phe471Leu (NM_017766.5); short protein forms F471L.
Identifiers: ClinVar variation 2714737 (VCV002714737.4), dbSNP rs201124226, ClinGen allele CA585116.